The following is an entry in ClinVar:

NM_000748.3(CHRNB2):c.1114G>A (p.Gly372Ser)

Gene: CHRNB2 (cholinergic receptor nicotinic beta 2 subunit; plus strand). Cytogenetic location: 1q21.3.
Variant type: single nucleotide variant.
Coding change: c.1114G>A on transcript NM_000748.3 (MANE Select); coding-DNA position 1114, G replaced by A.
Protein change: p.Gly372Ser; replaces glycine 372 with serine.
Molecular consequence: missense variant.
Genome position (GRCh38, 1-based): chr1:154,571,937, G>A. VCF-style: chr1-154571937-G-A. GRCh37 (hg19) VCF-style: chr1-154544413-G-A.
Other names: p.G372S:GGC>AGC; short protein forms G372S.
Identifiers: ClinVar variation 205057 (VCV000205057.8), dbSNP rs753731408, ClinGen allele CA313631.

ClinVar aggregate classification (germline): Conflicting classifications of pathogenicity. Review status: criteria provided, conflicting classifications (1 of 4 stars). 3 submissions from 3 submitters: Uncertain significance (1); Likely benign (2). Last evaluated 2024-12-02.

Conditions:
Familial sleep-related hypermotor epilepsy. Also called: Autosomal Dominant Sleep-Related Hypermotor (Hyperkinetic) Epilepsy. Identifiers: Orphanet 98784, MedGen C3696898, MONDO:0000030.
Inborn genetic diseases. Identifiers: MedGen C0950123, MeSH D030342.

Allele frequency attached by ClinVar (database versions not stated): ExAC below 0.00001; gnomAD 0.00002; gnomAD exomes 0.00003; TOPMed 0.00002.
gnomAD v4.1: 111 of 1,552,190 alleles (0.0072%); highest among the groups gnomAD compares: Non-Finnish European, 0.0091%; no homozygotes.

Submissions (3):

Ambry Genetics
Classification: Likely benign for Inborn genetic diseases. Last evaluated: 2024-12-02. Review status: criteria provided, single submitter. Criteria: Ambry Variant Classification Scheme 2023. Collection method: clinical testing. Allele origin: germline.

Labcorp Genetics (formerly Invitae), Labcorp
Classification: Uncertain significance. Last evaluated: 2024-11-25. Review status: criteria provided, single submitter. Criteria: Invitae Variant Classification Sherloc (09022015). Collection method: clinical testing. Allele origin: germline.
Comment: This sequence change replaces glycine, which is neutral and non-polar, with serine, which is neutral and polar, at codon 372 of the CHRNB2 protein (p.Gly372Ser). The frequency data for this variant in the population databases is considered unreliable, as metrics indicate poor data quality at this position in the gnomAD database. This variant has not been reported in the literature in individuals affected with CHRNB2-related conditions. ClinVar contains an entry for this variant (Variation ID: 205057). Invitae Evidence Modeling of protein sequence and biophysical properties (such as structural, functional, and spatial information, amino acid conservation, physicochemical variation, residue mobility, and thermodynamic stability) indicates that this missense variant is not expected to disrupt CHRNB2 protein function with a negative predictive value of 80%. In summary, the available evidence is currently insufficient to determine the role of this variant in disease. Therefore, it has been classified as a Variant of Uncertain Significance.

GeneDx
Classification: Likely benign. Last evaluated: 2016-10-17. Review status: criteria provided, single submitter. Criteria: GeneDx Variant Classification (06012015). Collection method: clinical testing. Allele origin: germline. Affected: yes.
Comment: This variant is considered likely benign or benign based on one or more of the following criteria: it is a conservative change, it occurs at a poorly conserved position in the protein, it is predicted to be benign by multiple in silico algorithms, and/or has population frequency not consistent with disease.